The following is an entry in ClinVar:

NM_006308.3(HSPB3):c.321C>T (p.His107=)

Gene: HSPB3 (heat shock protein family B (small) member 3; plus strand). Cytogenetic location: 5q11.2.
Variant type: single nucleotide variant.
Coding change: c.321C>T on transcript NM_006308.3 (MANE Select); coding-DNA position 321, C replaced by T.
Protein change: p.His107=; no amino-acid change (histidine 107 retained).
Molecular consequence: synonymous variant.
Genome position (GRCh38, 1-based): chr5:54,456,110, C>T. VCF-style: chr5-54456110-C-T. GRCh37 (hg19) VCF-style: chr5-53751940-C-T.
Identifiers: ClinVar variation 353900 (VCV000353900.15), dbSNP rs367560285, ClinGen allele CA3264661.

ClinVar aggregate classification (germline): Likely benign. Review status: criteria provided, multiple submitters, no conflicts (2 of 4 stars). 2 submissions from 2 submitters: Likely benign (2). Last evaluated 2025-04-13.

Conditions:
Neuronopathy, distal hereditary motor, type 2C. Also called: HMN IIC; NEUROPATHY, DISTAL HEREDITARY MOTOR, AUTOSOMAL DOMINANT 4; NEURONOPATHY, DISTAL HEREDITARY MOTOR, HARDING TYPE IIC; NEUROPATHY, DISTAL HEREDITARY MOTOR, HARDING TYPE IIC. Identifiers: Orphanet 139525, MedGen C3150619, MONDO:0013243, OMIM 613376.

Allele frequency attached by ClinVar (database versions not stated): ExAC 0.00015; ESP Exome Variant Server 0.00015; gnomAD exomes 0.00015 and 0.00017; TOPMed 0.00015; gnomAD 0.00019 and 0.00020.
gnomAD v4.1: 253 of 1,613,998 alleles (0.016%); highest among the groups gnomAD compares: Admixed American, 0.047%; no homozygotes.

Submissions (2):

Labcorp Genetics (formerly Invitae), Labcorp
Classification: Likely benign for Neuronopathy, distal hereditary motor, type 2C. Last evaluated: 2025-04-13. Review status: criteria provided, single submitter. Criteria: Invitae Variant Classification Sherloc (09022015). Collection method: clinical testing. Allele origin: germline.

Illumina Laboratory Services, Illumina
Classification: Likely benign for Neuronopathy, distal hereditary motor, type 2C. Last evaluated: 2018-01-12. Review status: criteria provided, single submitter. Criteria: ICSL Variant Classification Criteria 13 December 2019. Collection method: clinical testing. Allele origin: germline.
Comment: This variant was observed in the ICSL laboratory as part of a predisposition screen in an ostensibly healthy population. It had not been previously curated by ICSL or reported in the Human Gene Mutation Database (HGMD: prior to June 1st, 2018), and was therefore a candidate for classification through an automated scoring system. Utilizing variant allele frequency, disease prevalence and penetrance estimates, and inheritance mode, an automated score was calculated to assess if this variant is too frequent to cause the disease. Based on the score and internal cut-off values, a variant classified as likely benign is not then subjected to further curation. The score for this variant resulted in a classification of likely benign for this disease.